The following is an entry in ClinVar:

ClinVar aggregate classification (germline): Pathogenic (1 of 4 stars; one submission).

Conditions:
Nemaline myopathy 10 (NEM10). Identifiers: MedGen C4015360, MONDO:0014513, OMIM 616165.

Submission:

Labcorp Genetics (formerly Invitae), Labcorp
Classification: Pathogenic for Nemaline myopathy 10. Last evaluated: 2022-04-06. Review status: criteria provided, single submitter. Criteria: Invitae Variant Classification Sherloc (09022015). Collection method: clinical testing. Allele origin: germline.
Comment: For these reasons, this variant has been classified as Pathogenic. This variant has not been reported in the literature in individuals affected with LMOD3-related conditions. This variant is not present in population databases (gnomAD no frequency). This sequence change creates a premature translational stop signal (p.Glu38*) in the LMOD3 gene. It is expected to result in an absent or disrupted protein product. Loss-of-function variants in LMOD3 are known to be pathogenic (PMID: 25250574).

Literature cited by the submitters: PubMed 25250574.

NM_198271.5(LMOD3):c.112G>T (p.Glu38Ter)

Genes: LMOD3 (leiomodin 3; minus strand), LOC126806710 (CDK7 strongly-dependent group 2 enhancer GRCh37_chr3:69170601-69171800; plus strand). Cytogenetic location: 3p14.1.
Variant type: single nucleotide variant.
Coding change: c.112G>T on transcript NM_198271.5 (MANE Select); coding-DNA position 112, G replaced by T.
Protein change: p.Glu38Ter; replaces glutamic acid 38 with a stop codon.
Molecular consequence: nonsense.
Genome position (GRCh38, 1-based): chr3:69,122,275, C>A on the plus strand (G>T on the coding strand, the complement: LMOD3 is on the minus strand). VCF-style: chr3-69122275-C-A. GRCh37 (hg19) VCF-style: chr3-69171426-C-A.
Other names: c.112G>T, p.Glu38Ter (NM_001304418.3); short protein forms E38*.
Identifiers: ClinVar variation 2119165 (VCV002119165.4), dbSNP rs1176521918, ClinGen allele CA353479541.